The following is an entry in ClinVar:

ClinVar aggregate classification (germline): Uncertain significance (1 of 4 stars; one submission).

Allele frequency attached by ClinVar (database versions not stated): gnomAD 0.00004 and 0.00005; TOPMed 0.00007; gnomAD exomes 0.00012 and 0.00016; ExAC 0.00015; 1000 Genomes Project 30x 0.00047; 1000 Genomes Project 0.00060.
gnomAD v4.1: 184 of 1,613,270 alleles (0.011%); highest among the groups gnomAD compares: East Asian, 0.4%; 1 homozygote.

Submission:

GeneDx
Classification: Uncertain significance. Last evaluated: 2024-06-06. Review status: criteria provided, single submitter. Criteria: GeneDx Variant Classification Process June 2021. Collection method: clinical testing. Allele origin: germline. Affected: yes.
Comment: Reported homozygous in an individual from a cohort of patients with idiopathic sensorineural hearing loss who also had a diagnostic homozygous GJB2 variant (PMID: 34515852); In silico analysis indicates that this missense variant does not alter protein structure/function; This variant is associated with the following publications: (PMID: 36597107, 34515852)

NM_001039141.3(TRIOBP):c.951G>T (p.Glu317Asp)

Gene: TRIOBP (TRIO and F-actin binding protein; plus strand). Cytogenetic location: 22q13.1.
Variant type: single nucleotide variant.
Coding change: c.951G>T on transcript NM_001039141.3 (MANE Select); coding-DNA position 951, G replaced by T.
Protein change: p.Glu317Asp; replaces glutamic acid 317 with aspartic acid.
Molecular consequence: missense variant.
Genome position (GRCh38, 1-based): chr22:37,723,507, G>T. VCF-style: chr22-37723507-G-T. GRCh37 (hg19) VCF-style: chr22-38119514-G-T.
Other names: short protein forms E317D.
Identifiers: ClinVar variation 1200691 (VCV001200691.4), dbSNP rs191880936, ClinGen allele CA10223483.